The following is an entry in ClinVar:

ClinVar aggregate classification (germline): Uncertain significance. Review status: criteria provided, multiple submitters, no conflicts (2 of 4 stars). 2 submissions from 2 submitters: Uncertain significance (2). Last evaluated 2025-07-12.

Conditions:
Inborn genetic diseases. Identifiers: MedGen C0950123, MeSH D030342.
Hereditary spastic paraplegia 11. Also called: Spastic paraplegia, mental retardation and thin corpus callosum; Spastic Paraplegia 11; Nakamura Osame syndrome; Autosomal recessive hereditary spastic paraplegia, mental impairment, and thin corpus callosum; SPASTIC PARAPLEGIA, AUTOSOMAL RECESSIVE, COMPLICATED, WITH THIN CORPUS CALLOSUM; SPASTIC PARAPLEGIA, AUTOSOMAL RECESSIVE, WITH MENTAL IMPAIRMENT AND THIN CORPUS CALLOSUM. Identifiers: Orphanet 2822, MedGen C1858479, MONDO:0011445, OMIM 604360.

Allele frequency attached by ClinVar (database versions not stated): gnomAD exomes below 0.00001 and 0.00001; gnomAD 0.00001; TOPMed 0.00002; ESP Exome Variant Server 0.00008.
gnomAD v4.1: 5 of 1,614,082 alleles (0.00031%); highest among the groups gnomAD compares: African/African-American, 0.004%; no homozygotes.

Submissions (2):

Ambry Genetics
Classification: Uncertain significance for Inborn genetic diseases. Last evaluated: 2025-07-12. Review status: criteria provided, single submitter. Criteria: Ambry Variant Classification Scheme 2023. Collection method: clinical testing. Allele origin: germline.

Labcorp Genetics (formerly Invitae), Labcorp
Classification: Uncertain significance for Hereditary spastic paraplegia 11. Last evaluated: 2024-02-17. Review status: criteria provided, single submitter. Criteria: Invitae Variant Classification Sherloc (09022015). Collection method: clinical testing. Allele origin: germline.
Comment: This sequence change replaces histidine, which is basic and polar, with tyrosine, which is neutral and polar, at codon 235 of the SPG11 protein (p.His235Tyr). This variant is present in population databases (rs148934301, gnomAD 0.007%). This variant has not been reported in the literature in individuals affected with SPG11-related conditions. ClinVar contains an entry for this variant (Variation ID: 1365545). Advanced modeling of protein sequence and biophysical properties (such as structural, functional, and spatial information, amino acid conservation, physicochemical variation, residue mobility, and thermodynamic stability) performed at Invitae indicates that this missense variant is not expected to disrupt SPG11 protein function with a negative predictive value of 80%. In summary, the available evidence is currently insufficient to determine the role of this variant in disease. Therefore, it has been classified as a Variant of Uncertain Significance.

NM_025137.4(SPG11):c.703C>T (p.His235Tyr)

Gene: SPG11 (SPG11 vesicle trafficking associated, spatacsin; minus strand). Cytogenetic location: 15q21.1.
Variant type: single nucleotide variant.
Coding change: c.703C>T on transcript NM_025137.4 (MANE Select); coding-DNA position 703, C replaced by T.
Protein change: p.His235Tyr; replaces histidine 235 with tyrosine.
Molecular consequence: missense variant.
Genome position (GRCh38, 1-based): chr15:44,657,261, G>A on the plus strand (C>T on the coding strand, the complement: SPG11 is on the minus strand). VCF-style: chr15-44657261-G-A. GRCh37 (hg19) VCF-style: chr15-44949459-G-A.
Other names: c.703C>T, p.His235Tyr (NM_001160227.2); c.703C>T (NM_025137.3); short protein forms H235Y.
Identifiers: ClinVar variation 1365545 (VCV001365545.6), dbSNP rs148934301, ClinGen allele CA270107623.